The following is an entry in ClinVar:

ClinVar aggregate classification (germline): Uncertain significance. Review status: criteria provided, multiple submitters, no conflicts (2 of 4 stars). 2 submissions from 2 submitters: Uncertain significance (2). Last evaluated 2025-11-06.

Conditions:
PLXNA2-related disorder. Also called: PLXNA2-related condition.

Allele frequency attached by ClinVar (database versions not stated): ESP Exome Variant Server 0.00008; gnomAD exomes 0.00006; gnomAD 0.00003; TOPMed 0.00002; ExAC 0.00003.
gnomAD v4.1: 94 of 1,613,942 alleles (0.0058%); highest among the groups gnomAD compares: East Asian, 0.0089%; no homozygotes.

Submissions (2):

Ambry Genetics
Classification: Uncertain significance. Last evaluated: 2025-11-06. Review status: criteria provided, single submitter. Criteria: Ambry Variant Classification Scheme 2023. Collection method: clinical testing. Allele origin: germline.

PreventionGenetics, part of Exact Sciences
Classification: Uncertain significance for PLXNA2-related condition. Last evaluated: 2023-05-16. Review status: criteria provided, single submitter. Criteria: ACMG Guidelines, 2015. Collection method: clinical testing. Allele origin: germline.
Comment: The PLXNA2 c.5204G>A variant is predicted to result in the amino acid substitution p.Arg1735Gln. To our knowledge, this variant has not been reported in the literature. This variant is reported in 0.0065% of alleles in individuals of South Asian descent in gnomAD. At this time, the clinical significance of this variant is uncertain due to the absence of conclusive functional and genetic evidence.

NM_025179.4(PLXNA2):c.5204G>A (p.Arg1735Gln)

Gene: PLXNA2 (plexin A2; minus strand). Cytogenetic location: 1q32.2.
Variant type: single nucleotide variant.
Coding change: c.5204G>A on transcript NM_025179.4 (MANE Select); coding-DNA position 5204, G replaced by A.
Protein change: p.Arg1735Gln; replaces arginine 1735 with glutamine.
Molecular consequence: missense variant.
Genome position (GRCh38, 1-based): chr1:208,031,611, C>T on the plus strand (G>A on the coding strand, the complement: PLXNA2 is on the minus strand). VCF-style: chr1-208031611-C-T. GRCh37 (hg19) VCF-style: chr1-208204956-C-T.
Other names: short protein forms R1735Q.
Identifiers: ClinVar variation 2634366 (VCV002634366.2), dbSNP rs368772733, ClinGen allele CA1372640.